The following is an entry in ClinVar:

ClinVar aggregate classification (germline): Uncertain significance. Review status: criteria provided, multiple submitters, no conflicts (2 of 4 stars). 3 submissions from 3 submitters: Uncertain significance (3). Last evaluated 2025-10-18.

Conditions:
Inborn genetic diseases. Identifiers: MedGen C0950123, MeSH D030342.
Cortical dysplasia-focal epilepsy syndrome (PTHSL1). Also called: Pitt-Hopkins-like syndrome 1. Identifiers: Orphanet 163681, Orphanet 221150, MedGen C2750246, MONDO:0012400, OMIM 610042.

Allele frequency attached by ClinVar (database versions not stated): ExAC 0.00001; gnomAD 0.00001 and 0.00002; gnomAD exomes 0.00001; TOPMed 0.00002; 1000 Genomes Project 30x 0.00016; 1000 Genomes Project 0.00020.
gnomAD v4.1: 5 of 1,614,112 alleles (0.00031%); highest among the groups gnomAD compares: African/African-American, 0.0053%; no homozygotes.

Submissions (3):

Ambry Genetics
Classification: Uncertain significance for Inborn genetic diseases. Last evaluated: 2025-10-18. Review status: criteria provided, single submitter. Criteria: Ambry Variant Classification Scheme 2023. Collection method: clinical testing. Allele origin: germline.

Labcorp Genetics (formerly Invitae), Labcorp
Classification: Uncertain significance for Cortical dysplasia-focal epilepsy syndrome. Last evaluated: 2023-08-17. Review status: criteria provided, single submitter. Criteria: Invitae Variant Classification Sherloc (09022015). Collection method: clinical testing. Allele origin: germline.
Comment: In summary, the available evidence is currently insufficient to determine the role of this variant in disease. Therefore, it has been classified as a Variant of Uncertain Significance. An algorithm developed to predict the effect of missense changes on protein structure and function (PolyPhen-2) suggests that this variant is likely to be disruptive. ClinVar contains an entry for this variant (Variation ID: 429306). This variant has not been reported in the literature in individuals affected with CNTNAP2-related conditions. This variant is present in population databases (rs200300251, gnomAD 0.01%). This sequence change replaces glutamine, which is neutral and polar, with lysine, which is basic and polar, at codon 897 of the CNTNAP2 protein (p.Gln897Lys).

GeneDx
Classification: Uncertain significance. Last evaluated: 2017-05-04. Review status: criteria provided, single submitter. Criteria: GeneDx Variant Classification (06012015). Collection method: clinical testing. Allele origin: germline. Affected: yes.
Comment: The Q897K variant has not been published as a pathogenic variant, nor has it been reported as a benign variant to our knowledge. The Q897K variant is not observed at a significant frequency in large population cohorts (Lek et al., 2016; 1000 Genomes Consortium et al., 2015; Exome Variant Server). The Q897K variant is a semi-conservative amino acid substitution, which may impact secondary protein structure as these residues differ in some properties. This substitution occurs at a position that is conserved across species. In silico analysis is inconsistent in its predictions as to whether or not the variant is damaging to the protein structure/function. Based on the currently available information, it is unclear whether this variant is a pathogenic variant or a rare benign variant.

NM_014141.6(CNTNAP2):c.2689C>A (p.Gln897Lys)

Gene: CNTNAP2 (contactin associated protein 2; plus strand). Cytogenetic location: 7q35.
Variant type: single nucleotide variant.
Coding change: c.2689C>A on transcript NM_014141.6 (MANE Select); coding-DNA position 2689, C replaced by A.
Protein change: p.Gln897Lys; replaces glutamine 897 with lysine.
Molecular consequence: missense variant.
Genome position (GRCh38, 1-based): chr7:148,147,625, C>A. VCF-style: chr7-148147625-C-A. GRCh37 (hg19) VCF-style: chr7-147844717-C-A.
Other names: short protein forms Q897K.
Identifiers: ClinVar variation 429306 (VCV000429306.15), dbSNP rs200300251, ClinGen allele CA4546455.